The following is an entry in ClinVar:

ClinVar aggregate classification (germline): Uncertain significance. Review status: criteria provided, single submitter (1 of 4 stars). 2 submissions from 2 submitters: Uncertain significance (1). 1 of the submissions does not count toward it. Last evaluated 2025-10-07.

Conditions:
ZIC3-related disorder. Also called: ZIC3-Related Disorders; ZIC3-related condition.
Heterotaxy, visceral, 1, X-linked (HTX1). Also called: DEXTROCARDIA WITH OTHER CARDIAC MALFORMATIONS; SITUS INVERSUS, COMPLEX CARDIAC DEFECTS, AND SPLENIC DEFECTS, X-LINKED; Laterality, X-linked; Visceral heterotaxia. Identifiers: Orphanet 450, MedGen C1844020, MONDO:0010607, OMIM 306955.

Submissions (2):

Labcorp Genetics (formerly Invitae), Labcorp
Classification: Uncertain significance for Heterotaxy, visceral, 1, X-linked. Last evaluated: 2025-10-07. Review status: criteria provided, single submitter. Criteria: Invitae Variant Classification Sherloc (09022015). Collection method: clinical testing. Allele origin: germline.
Comment: This variant, c.153_161dup, results in the insertion of 3 amino acid(s) of the ZIC3 protein (p.Ala53_Ala55dup), but otherwise preserves the integrity of the reading frame. The frequency data for this variant in the population databases is considered unreliable, as metrics indicate poor data quality at this position in the gnomAD database. This variant has not been reported in the literature in individuals affected with ZIC3-related conditions. In summary, the available evidence is currently insufficient to determine the role of this variant in disease. Therefore, it has been classified as a Variant of Uncertain Significance.

PreventionGenetics, part of Exact Sciences
Classification: Likely benign for ZIC3-related condition. Last evaluated: 2023-02-22. Review status: no assertion criteria provided. Collection method: clinical testing. Allele origin: germline. Not counted in ClinVar's aggregate classification.
Comment: This variant is classified as likely benign based on ACMG/AMP sequence variant interpretation guidelines (Richards et al. 2015 PMID: 25741868, with internal and published modifications).

NM_003413.4(ZIC3):c.135CGC[12] (p.Ala55_Phe56insAlaAlaAla)

Gene: ZIC3 (Zic family zinc finger 3; plus strand). Cytogenetic location: Xq26.3.
Variant type: Microsatellite.
Coding change: c.135CGC[12] on transcript NM_003413.4 (MANE Select); 12 copies in a row of the 3-base unit CGC starting at c.135; the reference has nine copies in a row; three copies, 9 bases duplicated.
Protein change: p.Ala55_Phe56insAlaAlaAla.
Genome position (GRCh38, 1-based): chrX:137,566,844-137,566,852, CGCCGCCGC duplicated; duplicating any 9 consecutive bases within chrX:137,566,826-137,566,852 gives the same sequence; the position shown is the placement nearest the transcript's 3' end. VCF-style (leftmost placement, unchanged base first): chrX-137566825-A-ACGCCGCCGC. GRCh37 (hg19) VCF-style: chrX-136648984-A-ACGCCGCCGC.
Other names: c.135CGC[12], p.Ala55_Phe56insAlaAlaAla (NM_001330661.1).
Identifiers: ClinVar variation 3047546 (VCV003047546.3), dbSNP rs748325646, ClinGen allele CA10529267.
Genomic context (GRCh38, chrX:137,566,825, plus strand): 5'-ACGAGATGCCCAACCGTGAGCCGGCAGGCATGGGGCTGAATCCCTTCGGGGACTCAACCC[A>ACGCCGCCGC]CGCCGCCGCCGCCGCCGCCGCCGCCGCTGCCTTCAAGCTGAGCCCTGCCGCGGCGCACGA-3'